The following is an entry in ClinVar:

ClinVar aggregate classification (oncogenicity): Oncogenic (0 of 4 stars; one submission).

Conditions:
Acute myeloid leukemia (AML). Also called: Acute myeloid leukemia, adult; AML adult; Acute non-lymphocytic leukemia; Acute granulocytic leukemia; Leukemia, acute myeloid, somatic; Leukemia, acute myelogenous, somatic. Identifiers: Orphanet 519, MedGen C0023467, MeSH D015470, MONDO:0018874, OMIM 601626, HP:0004808. Disease mechanism: Constitutively activated FLT3.

Submission:

Department of Pathology, Institute of Nuclear Medicine and Oncology
Classification: Oncogenic for Acute myeloid leukemia. Last evaluated: 2025-02-20. Review status: no assertion criteria provided. Collection method: research. Allele origin: somatic. Affected: yes.
Comment: Gene: NRAS Transcript: NM_002524.5 cDNA Change: c.167T>C Protein Change: p.L53R Mutation Type: Missense mutation in exon 3, within the GTPase domain Genomic Location (GRCh38): chr1:114713923C>T Evidence: Recurrent somatic mutation in AML and other myeloid neoplasms NRAS c.167T>C (p.L53R) is a oncogenic, somatic mutation in AML. It is novel mutation which is not previously reported in AML. It is reported in other types of cancers but not in AML. It leads to constitutive activation of the RAS signaling pathway, contributing to leukemogenesis. While no approved NRAS-targeted therapies currently exist, this mutation may influence prognosis and inform eligibility for clinical trials targeting downstream pathways. Co-mutation analysis is recommended for comprehensive risk stratification. In summary, p.L53R variant is oncogenic, somatic and novel mutation resulting in AML.

NM_002524.5(NRAS):c.167T>C (p.Leu56Pro)

Gene: NRAS (NRAS proto-oncogene, GTPase; minus strand). Cytogenetic location: 1p13.2.
Variant type: single nucleotide variant.
Coding change: c.167T>C on transcript NM_002524.5 (MANE Select); coding-DNA position 167, T replaced by C.
Protein change: p.Leu56Pro; replaces leucine 56 with proline.
Molecular consequence: missense variant.
Genome position (GRCh38, 1-based): chr1:114,713,923, A>G on the plus strand (T>C on the coding strand, the complement: NRAS is on the minus strand). VCF-style: chr1-114713923-A-G. GRCh37 (hg19) VCF-style: chr1-115256544-A-G.
Other names: short protein forms L56P.
Identifiers: ClinVar variation 4073530 (VCV004073530.1).
Genomic context (GRCh38, chr1:114,713,923, plus strand): 5'-TCGCCTGTCCTCATGTATTGGTCTCTCATGGCACTGTACTCTTCTTGTCCAGCTGTATCC[A>G]GTATGTCCAACAAACAGGTTTCACCATCTATAACCACTTGTTTTCTGTAAGAATCCTGGG-3'
Protein context (NP_002515.1, residues 46-66): IDGETCLLDI[Leu56Pro]DTAGQEEYSA